The following is an entry in ClinVar:

NM_018941.4(CLN8):c.331A>G (p.Thr111Ala)

Gene: CLN8 (CLN8 transmembrane ER and ERGIC protein; plus strand). Cytogenetic location: 8p23.3.
Variant type: single nucleotide variant.
Coding change: c.331A>G on transcript NM_018941.4 (MANE Select); coding-DNA position 331, A replaced by G.
Protein change: p.Thr111Ala; replaces threonine 111 with alanine.
Molecular consequence: missense variant.
Genome position (GRCh38, 1-based): chr8:1,771,385, A>G. VCF-style: chr8-1771385-A-G. GRCh37 (hg19) VCF-style: chr8-1719551-A-G.
Other names: short protein forms T111A.
Identifiers: ClinVar variation 581173 (VCV000581173.8), dbSNP rs1563107925, ClinGen allele CA369953339.
Genomic context (GRCh38, chr8:1,771,385, plus strand): 5'-CTGCATGCCGACAAGGCGCGTGGCCAGCAGAACTGGTGCTGGTTTCACATCACGACAGCA[A>G]CGGGATTCTTTTGCTTTGAAAATGTTGCAGTCCACCTGTCCAACTTGATCTTCCGGACAT-3'
Protein context (NP_061764.2, residues 101-121): NWCWFHITTA[Thr111Ala]GFFCFENVAV

ClinVar aggregate classification (germline): Uncertain significance. Review status: criteria provided, single submitter (1 of 4 stars). 2 submissions from 2 submitters: Uncertain significance (1). 1 of the submissions does not count toward it. Last evaluated 2020-01-27.

Conditions:
Neuronal ceroid lipofuscinosis. Also called: Neuronal Ceroid Lipofuscinoses. Identifiers: Orphanet 216, Orphanet 79263, MedGen C0027877, MONDO:0016295. Disease mechanism: loss of function.
Neuronal ceroid lipofuscinosis 8 (CLN8). Also called: CLN8-Related Neuronal Ceroid-Lipofuscinosis. Identifiers: Orphanet 168491, Orphanet 228354, Orphanet 79264, MedGen C1838570, MONDO:0010830, OMIM 600143.

Allele frequency attached by ClinVar (database versions not stated): TOPMed below 0.00001.

Submissions (2):

Labcorp Genetics (formerly Invitae), Labcorp
Classification: Uncertain significance for Neuronal ceroid lipofuscinosis. Last evaluated: 2020-01-27. Review status: criteria provided, single submitter. Criteria: Invitae Variant Classification Sherloc (09022015). Collection method: clinical testing. Allele origin: germline.
Comment: In summary, the available evidence is currently insufficient to determine the role of this variant in disease. Therefore, it has been classified as a Variant of Uncertain Significance. Algorithms developed to predict the effect of missense changes on protein structure and function do not agree on the potential impact of this missense change (SIFT: "Tolerated"; PolyPhen-2: "Possibly Damaging"; Align-GVGD: "Class C0"). This variant has not been reported in the literature in individuals with CLN8-related disease. This variant is not present in population databases (ExAC no frequency). This sequence change replaces threonine with alanine at codon 111 of the CLN8 protein (p.Thr111Ala). The threonine residue is highly conserved and there is a small physicochemical difference between threonine and alanine.

Natera, Inc.
Classification: Uncertain significance for Neuronal ceroid lipofuscinosis 8. Last evaluated: 2020-11-11. Review status: no assertion criteria provided. Collection method: clinical testing. Allele origin: germline. Not counted in ClinVar's aggregate classification.